The following is an entry in ClinVar:

ClinVar aggregate classification (germline): Pathogenic (1 of 4 stars; one submission).

Conditions:
Ehlers-Danlos syndrome due to tenascin-X deficiency (EDSCLL1). Also called: EDS DUE TO TNX DEFICIENCY; TNX DEFICIENCY; Ehlers-Danlos syndrome, classic-like, 1; EHLERS-DANLOS SYNDROME, CLASSIC-LIKE; TNXB-Related Classical-Like Ehlers-Danlos Syndrome. Identifiers: Orphanet 230839, MedGen C1848029, MONDO:0011670, OMIM 606408.

Submission:

Myriad Genetics, Inc.
Classification: Pathogenic for Ehlers-Danlos syndrome due to tenascin-X deficiency. Last evaluated: 2025-05-11. Review status: criteria provided, single submitter. Criteria: Myriad Autosomal Dominant, Autosomal Recessive and X-Linked Classification Criteria (2023). Collection method: clinical testing. Allele origin: unknown.
Comment: NM_019105.6(TNXB):c.8107C>T(Q2703*) is expected to be pathogenic in the context of classical-like Ehlers-Danlos syndrome, TNXB-related. This variant is predicted to lead to an abnormal or absent protein product due to the creation of a premature termination codon in TNXB, a gene where loss-of-function variants are known to be pathogenic. Please note: this variant was assessed in the context of healthy population screening.

NM_001365276.2(TNXB):c.8107C>T (p.Gln2703Ter)

Gene: TNXB (tenascin XB; minus strand). Cytogenetic location: 6p21.33.
Variant type: single nucleotide variant.
Coding change: c.8107C>T on transcript NM_001365276.2 (MANE Select); coding-DNA position 8107, C replaced by T.
Protein change: p.Gln2703Ter; replaces glutamine 2703 with a stop codon.
Molecular consequence: nonsense.
Genome position (GRCh38, 1-based): chr6:32,056,622, G>A on the plus strand (C>T on the coding strand, the complement: TNXB is on the minus strand). VCF-style: chr6-32056622-G-A. GRCh37 (hg19) VCF-style: chr6-32024399-G-A.
Other names: c.8848C>T, p.Gln2950Ter (NM_001428335.1); c.8107C>T, p.Gln2703Ter (NM_019105.8); short protein forms Q2703*, Q2950*.
Identifiers: ClinVar variation 5014424 (VCV005014424.1).